The following is an entry in ClinVar:

NM_001271.4(CHD2):c.5148T>G (p.Tyr1716Ter)

Gene: CHD2 (chromodomain helicase DNA binding protein 2; plus strand). Cytogenetic location: 15q26.1.
Variant type: single nucleotide variant.
Coding change: c.5148T>G on transcript NM_001271.4 (MANE Select); coding-DNA position 5148, T replaced by G.
Protein change: p.Tyr1716Ter; replaces tyrosine 1716 with a stop codon.
Molecular consequence: nonsense.
Genome position (GRCh38, 1-based): chr15:93,020,253, T>G. VCF-style: chr15-93020253-T-G. GRCh37 (hg19) VCF-style: chr15-93563483-T-G.
Other names: short protein forms Y1716*.
Identifiers: ClinVar variation 1345469 (VCV001345469.6), dbSNP rs773497328, ClinGen allele CA393908006.
Genomic context (GRCh38, chr15:93,020,253, plus strand): 5'-AAAGAGGCCTTATGACCAGTACAGCAGTGACCGAGACCACCGGGGACACAGAGATTATTA[T>G]GACAGGTATGCAAAAGGCTGTGAGACACCAGGTGCCAACCTTTGCCAGGAGCTGTTTCTA-3'

ClinVar aggregate classification (germline): Uncertain significance (1 of 4 stars; one submission).

Conditions:
Developmental and epileptic encephalopathy 94 (DEE94). Also called: CHD2-Related Neurodevelopmental Disorders; Epileptic encephalopathy, childhood-onset. Identifiers: Orphanet 1942, Orphanet 2382, MedGen C3809278, MONDO:0014150, OMIM 615369.

Submission:

Labcorp Genetics (formerly Invitae), Labcorp
Classification: Uncertain significance for Developmental and epileptic encephalopathy 94. Last evaluated: 2024-10-16. Review status: criteria provided, single submitter. Criteria: Invitae Variant Classification Sherloc (09022015). Collection method: clinical testing. Allele origin: germline.
Comment: This sequence change creates a premature translational stop signal (p.Tyr1716*) in the CHD2 gene. While this is not anticipated to result in nonsense mediated decay, it is expected to disrupt the last 113 amino acid(s) of the CHD2 protein. This variant is not present in population databases (gnomAD no frequency). This variant has not been reported in the literature in individuals affected with CHD2-related conditions. ClinVar contains an entry for this variant (Variation ID: 1345469). This variant disrupts a region of the CHD2 protein in which other variant(s) (p.His1737Gln) have been observed in individuals with CHD2-related conditions (internal data). This suggests that this is a clinically significant region of the protein, and that variants that disrupt it are likely to be disease-causing. In summary, the available evidence is currently insufficient to determine the role of this variant in disease. Therefore, it has been classified as a Variant of Uncertain Significance.